The following is an entry in ClinVar:

NM_000059.4(BRCA2):c.4897A>G (p.Ile1633Val)

Gene: BRCA2 (BRCA2 DNA repair associated; plus strand). Cytogenetic location: 13q13.1.
Variant type: single nucleotide variant.
Coding change: c.4897A>G on transcript NM_000059.4 (MANE Select); coding-DNA position 4897, A replaced by G.
Protein change: p.Ile1633Val; replaces isoleucine 1633 with valine.
Molecular consequence: missense variant.
Genome position (GRCh38, 1-based): chr13:32,339,252, A>G. VCF-style: chr13-32339252-A-G. GRCh37 (hg19) VCF-style: chr13-32913389-A-G.
Other names: short protein forms I1633V.
Identifiers: ClinVar variation 51736 (VCV000051736.23), dbSNP rs80358713, ClinGen allele CA020971.

ClinVar aggregate classification (germline): Conflicting classifications of pathogenicity. Review status: criteria provided, conflicting classifications (1 of 4 stars). 8 submissions from 8 submitters: Uncertain significance (5); Likely benign (1). 2 of the submissions do not count toward it. Last evaluated 2025-11-11.

Conditions:
Hereditary breast ovarian cancer syndrome. Also called: Hereditary breast and ovarian cancer syndrome; Hereditary breast and ovarian cancer; Hereditary breast and ovarian cancer syndrome (HBOC); Breast and ovarian cancer; Hereditary breast and/or ovarian cancer syndrome; BRCA1- and BRCA2-Associated Hereditary Breast and Ovarian Cancer. Identifiers: Orphanet 145, MedGen C0677776, MeSH D061325, MONDO:0003582. Disease mechanism: loss of function.
BRCA2-related cancer predisposition. Identifiers: MedGen CN377758, MONDO:0700269.
Hereditary cancer-predisposing syndrome. Also called: Neoplastic Syndromes, Hereditary; Tumor predisposition; Hereditary neoplastic syndrome; Hereditary Cancer Syndrome. Identifiers: Orphanet 140162, MedGen C0027672, MeSH D009386, MONDO:0015356.
Breast-ovarian cancer, familial, susceptibility to, 2 (BROVCA2). Also called: BRCA2 Hereditary Breast and Ovarian Cancer. Identifiers: Orphanet 145, MedGen C2675520, MONDO:0012933, OMIM 612555. Disease mechanism: loss of function.

Allele frequency attached by ClinVar (database versions not stated): TOPMed 0.00001.

Submissions (8):

Labcorp Genetics (formerly Invitae), Labcorp
Classification: Uncertain significance for Hereditary breast ovarian cancer syndrome. Last evaluated: 2025-11-11. Review status: criteria provided, single submitter. Criteria: Invitae Variant Classification Sherloc (09022015). Collection method: clinical testing. Allele origin: germline.
Comment: This sequence change replaces isoleucine, which is neutral and non-polar, with valine, which is neutral and non-polar, at codon 1633 of the BRCA2 protein (p.Ile1633Val). This variant is not present in population databases (gnomAD no frequency). This variant has not been reported in the literature in individuals affected with BRCA2-related conditions. ClinVar contains an entry for this variant (Variation ID: 51736). Invitae Evidence Modeling of protein sequence and biophysical properties (such as structural, functional, and spatial information, amino acid conservation, physicochemical variation, residue mobility, and thermodynamic stability) indicates that this missense variant is not expected to disrupt BRCA2 protein function with a negative predictive value of 95%. In summary, the available evidence is currently insufficient to determine the role of this variant in disease. Therefore, it has been classified as a Variant of Uncertain Significance.

All of Us Research Program, National Institutes of Health
Classification: Uncertain significance for BRCA2-related cancer predisposition. Last evaluated: 2024-05-14. Review status: criteria provided, single submitter. Criteria: ACMG Guidelines, 2015. Collection method: clinical testing. Allele origin: germline. Inheritance: Autosomal dominant inheritance. Observed: 2 variant alleles, 2 heterozygotes.
Comment: This missense variant replaces isoleucine with valine at codon 1633 of the BRCA2 protein. Computational prediction suggests that this variant may not impact protein structure and function. To our knowledge, functional studies have not been reported for this variant. This variant has not been reported in individuals affected with BRCA2-related disorders in the literature. This variant has not been identified in the general population by the Genome Aggregation Database (gnomAD). The available evidence is insufficient to determine the role of this variant in disease conclusively. Therefore, this variant is classified as a Variant of Uncertain Significance.

This study involves interpretation of variants in research participants for the purpose of population health screening. Participant phenotype was not available at the time of variant classification. Additional details can be found in publication PMID: 35346344, PMCID: PMC8962531

Color Diagnostics, LLC DBA Color Health
Classification: Uncertain significance for Hereditary cancer-predisposing syndrome. Last evaluated: 2024-04-23. Review status: criteria provided, single submitter. Criteria: ACMG Guidelines, 2015. Collection method: clinical testing. Allele origin: germline.
Comment: This missense variant replaces isoleucine with valine at codon 1633 of the BRCA2 protein. Computational prediction suggests that this variant may not impact protein structure and function. To our knowledge, functional studies have not been reported for this variant. This variant has not been reported in individuals affected with BRCA2-related disorders in the literature. This variant has not been identified in the general population by the Genome Aggregation Database (gnomAD). The available evidence is insufficient to determine the role of this variant in disease conclusively. Therefore, this variant is classified as a Variant of Uncertain Significance.

University of Washington Department of Laboratory Medicine, University of Washington
Classification: Likely benign for Hereditary cancer-predisposing syndrome. Last evaluated: 2023-03-23. Review status: criteria provided, single submitter. Criteria: Dines et al. (Genet Med. 2020). Collection method: curation. Allele origin: germline.
Comment: Missense variant in a coldspot region where missense variants are very unlikely to be pathogenic (PMID:31911673).

BRCA2 exon 11 coldspot. Reclassification based on statistical prior probability.

GeneDx
Classification: Uncertain significance. Last evaluated: 2022-08-19. Review status: criteria provided, single submitter. Criteria: GeneDx Variant Classification Process June 2021. Collection method: clinical testing. Allele origin: germline. Affected: yes.
Comment: Not observed at significant frequency in large population cohorts (gnomAD); In silico analysis supports that this missense variant does not alter protein structure/function; Has not been previously published as pathogenic or benign to our knowledge; Also known as 5125A>G; This variant is associated with the following publications: (PMID: 24817641, 29884841, 31911673)

Ambry Genetics
Classification: Uncertain significance for Hereditary cancer-predisposing syndrome. Last evaluated: 2018-12-21. Review status: criteria provided, single submitter. Criteria: Ambry Variant Classification Scheme 2023. Collection method: clinical testing. Allele origin: germline.
Comment: The p.I1633V variant (also known as c.4897A>G), located in coding exon 10 of the BRCA2 gene, results from an A to G substitution at nucleotide position 4897. The isoleucine at codon 1633 is replaced by valine, an amino acid with highly similar properties. This amino acid position is poorly conserved in available vertebrate species. In addition, this alteration is predicted to be tolerated by in silico analysis. Since supporting evidence is limited at this time, the clinical significance of this alteration remains unclear.

Counsyl
Classification: Uncertain significance for Breast-ovarian cancer, familial, susceptibility to, 2. Last evaluated: 2016-02-19. Review status: no assertion criteria provided. Collection method: clinical testing. Allele origin: unknown. Not counted in ClinVar's aggregate classification.

Breast Cancer Information Core (BIC) (BRCA2)
Classification: Uncertain significance for Breast-ovarian cancer, familial 2. Review status: no assertion criteria provided. Collection method: clinical testing. Allele origin: germline. Affected: yes. Observed: 1 variant allele. Not counted in ClinVar's aggregate classification.

Literature cited by the submitters: PubMed 24817641 (cited by Counsyl).